The following is an entry in ClinVar:

NM_001277058.2(ERCC6):c.1600C>T (p.Gln534Ter)

Genes: PGBD3 (piggyBac transposable element derived 3; minus strand), ERCC6 (ERCC excision repair 6, chromatin remodeling factor; minus strand). Cytogenetic location: 10q11.23.
Variant type: single nucleotide variant.
Coding change: c.1600C>T on transcript NM_001277058.2 (MANE Plus Clinical); coding-DNA position 1600, C replaced by T.
Protein change: p.Gln534Ter; replaces glutamine 534 with a stop codon.
Molecular consequence: nonsense. On other transcripts: intron variant (2).
Genome position (GRCh38, 1-based): chr10:49,516,919, G>A on the plus strand (C>T on the coding strand, the complement: ERCC6 is on the minus strand). VCF-style: chr10-49516919-G-A. GRCh37 (hg19) VCF-style: chr10-50724965-G-A.
Other names: c.1600C>T, p.Gln534Ter (NM_001277059.2); c.196C>T, p.Gln66Ter (NM_170753.3); c.1397+7114C>T (NM_001346440.2, NM_000124.4); short protein forms Q534*, Q66*.
Identifiers: ClinVar variation 4813802 (VCV004813802.1).

ClinVar aggregate classification (germline): Likely pathogenic (1 of 4 stars; one submission).

Conditions:
Autosomal recessive ERCC6-related disorders.

gnomAD v4.1: 38 of 1,613,944 alleles (0.0024%); highest among the groups gnomAD compares: Admixed American, 0.042%; no homozygotes.

Submission:

Variantyx, Inc.
Classification: Likely pathogenic for Autosomal recessive ERCC6-related disorders. Last evaluated: 2025-12-16. Review status: criteria provided, single submitter. Criteria: Variantyx Assertion Criteria 2022. Collection method: clinical testing. Allele origin: germline. Inheritance: Autosomal recessive inheritance. Affected: no.
Comment: This is a nonsense variant in the ERCC6 gene (OMIM: 609413). Pathogenic variants in this gene have been associated with autosomal recessive ERCC6-related disorders. This variant introduces a premature termination codon in exon 6 out of 6 and is expected to result in loss of function, which is a known disease mechanism for ERCC6 in this disorder (PMID: 18628313, 29572252 (PVS1). This variant has not been reported in individuals with ERCC6-related disorders in the databases available for review. It has a 0.0417% maximum allele frequency in non-founder control populations (PM2). Based on the current evidence, this variant is classified as likely pathogenic for autosomal recessive ERCC6-related disorders.

Literature cited by the submitters: PubMed 18628313; PubMed 29572252.